The following is an entry in ClinVar:

NM_080916.3(DGUOK):c.663G>T (p.Gln221His)

Gene: DGUOK (deoxyguanosine kinase; plus strand). Cytogenetic location: 2p13.1.
Variant type: single nucleotide variant.
Coding change: c.663G>T on transcript NM_080916.3 (MANE Select); coding-DNA position 663, G replaced by T.
Protein change: p.Gln221His; replaces glutamine 221 with histidine.
Molecular consequence: missense variant. On other transcripts: intron variant (2), non-coding transcript variant (1).
Genome position (GRCh38, 1-based): chr2:73,957,196, G>T. VCF-style: chr2-73957196-G-T. GRCh37 (hg19) VCF-style: chr2-74184323-G-T.
Other names: c.444-950G>T (NM_080918.3); c.426-950G>T (NM_001318859.2); c.372G>T, p.Gln124His (NM_001318860.2, NM_001318861.2); c.354G>T, p.Gln118His (NM_001318862.2, NM_001318863.2); short protein forms Q118H, Q124H, Q221H.
Identifiers: ClinVar variation 1491865 (VCV001491865.8), dbSNP rs957798169, ClinGen allele CA50410381.

ClinVar aggregate classification (germline): Uncertain significance (1 of 4 stars; one submission).

Submission:

Labcorp Genetics (formerly Invitae), Labcorp
Classification: Uncertain significance. Last evaluated: 2021-05-18. Review status: criteria provided, single submitter. Criteria: Invitae Variant Classification Sherloc (09022015). Collection method: clinical testing. Allele origin: germline.
Comment: This sequence change replaces glutamine with histidine at codon 221 of the DGUOK protein (p.Gln221His). The glutamine residue is moderately conserved and there is a small physicochemical difference between glutamine and histidine. In summary, the available evidence is currently insufficient to determine the role of this variant in disease. Therefore, it has been classified as a Variant of Uncertain Significance. Algorithms developed to predict the effect of missense changes on protein structure and function are either unavailable or do not agree on the potential impact of this missense change (SIFT: "Deleterious"; PolyPhen-2: "Probably Damaging"; Align-GVGD: "Class C0"). This variant has not been reported in the literature in individuals with DGUOK-related conditions. This variant is not present in population databases (ExAC no frequency).